The following is an entry in ClinVar:

NM_001943.5(DSG2):c.2693A>G (p.Asn898Ser)

Genes: DSG2 (desmoglein 2; plus strand), DSG2-AS1 (DSG2 antisense RNA 1; minus strand). Cytogenetic location: 18q12.1.
Variant type: single nucleotide variant.
Coding change: c.2693A>G on transcript NM_001943.5 (MANE Select); coding-DNA position 2693, A replaced by G.
Protein change: p.Asn898Ser; replaces asparagine 898 with serine.
Molecular consequence: missense variant.
Genome position (GRCh38, 1-based): chr18:31,546,079, A>G. VCF-style: chr18-31546079-A-G. GRCh37 (hg19) VCF-style: chr18-29126042-A-G.
Other names: short protein forms N898S.
Identifiers: ClinVar variation 3070084 (VCV003070084.2), dbSNP rs757212229, ClinGen allele CA046856.

ClinVar aggregate classification (germline): Uncertain significance. Review status: criteria provided, multiple submitters, no conflicts (2 of 4 stars). 2 submissions from 2 submitters: Uncertain significance (2). Last evaluated 2026-07-06.

Conditions:
Arrhythmogenic right ventricular cardiomyopathy (ARVD). Also called: Cardiomyopathy, ARVC; Arrhythmogenic right ventricular dysplasia; Arrhythmogenic cardiomyopathy; Arrhythmogenic Right Ventricular Cardiomyopathy (ARVC). Identifiers: Orphanet 247, MedGen C0349788, MeSH D019571, MONDO:0016587. Disease mechanism: loss of function. Inheritance: Various modes of inheritance.
Cardiovascular phenotype. Identifiers: MedGen CN230736.

Allele frequency attached by ClinVar (database versions not stated): gnomAD 0.00001; gnomAD exomes 0.00001; TOPMed below 0.00001; ExAC 0.00002.
gnomAD v4.1: 7 of 1,614,096 alleles (0.00043%); highest among the groups gnomAD compares: Admixed American, 0.005%; no homozygotes.

Submissions (2):

Ambry Genetics
Classification: Uncertain significance for Cardiovascular phenotype. Last evaluated: 2026-07-06. Review status: criteria provided, single submitter. Criteria: Ambry Variant Classification Scheme 2023. Collection method: clinical testing. Allele origin: germline.
Comment: The p.N898S variant (also known as c.2693A>G), located in coding exon 15 of the DSG2 gene, results from an A to G substitution at nucleotide position 2693. The asparagine at codon 898 is replaced by serine, an amino acid with highly similar properties. This amino acid position is conserved. In addition, this alteration is predicted to be tolerated by in silico analysis. Based on the available evidence, the clinical significance of this variant remains unclear.

All of Us Research Program, National Institutes of Health
Classification: Uncertain significance for Arrhythmogenic right ventricular cardiomyopathy. Last evaluated: 2023-08-08. Review status: criteria provided, single submitter. Criteria: ACMG Guidelines, 2015. Collection method: clinical testing. Allele origin: germline. Inheritance: Autosomal dominant inheritance. Observed: 3 variant alleles, 3 heterozygotes.
Comment: This missense variant replaces asparagine with serine at codon 898 of the DSG2 protein. Computational prediction suggests that this variant may not impact protein structure and function (internally defined REVEL score threshold <= 0.5, PMID: 27666373). To our knowledge, functional studies have not been reported for this variant. This variant has not been reported in individuals affected with DSG2-related disorders in the literature. This variant has been identified in 3/248974 chromosomes in the general population by the Genome Aggregation Database (gnomAD). The available evidence is insufficient to determine the role of this variant in disease conclusively. Therefore, this variant is classified as a Variant of Uncertain Significance.

This study involves interpretation of variants in research participants for the purpose of population health screening. Participant phenotype was not available at the time of variant classification. Additional details can be found in publication PMID: 35346344, PMCID: PMC8962531